The following is an entry in ClinVar:

NM_001367561.1(DOCK7):c.4589C>T (p.Thr1530Ile)

Gene: DOCK7 (dedicator of cytokinesis 7; minus strand). Cytogenetic location: 1p31.3.
Variant type: single nucleotide variant.
Coding change: c.4589C>T on transcript NM_001367561.1 (MANE Select); coding-DNA position 4589, C replaced by T.
Protein change: p.Thr1530Ile; replaces threonine 1530 with isoleucine.
Molecular consequence: missense variant.
Genome position (GRCh38, 1-based): chr1:62,505,704, G>A on the plus strand (C>T on the coding strand, the complement: DOCK7 is on the minus strand). VCF-style: chr1-62505704-G-A. GRCh37 (hg19) VCF-style: chr1-62971375-G-A.
Other names: c.4562C>T, p.Thr1521Ile (NM_001271999.2, NM_001330614.2); c.4469C>T, p.Thr1490Ile (NM_001272000.2, NM_001272001.2); c.4496C>T, p.Thr1499Ile (NM_033407.4); short protein forms T1521I, T1530I, T1490I, T1499I.
Identifiers: ClinVar variation 1994440 (VCV001994440.1), dbSNP rs1557639381, ClinGen allele CA340619222.

ClinVar aggregate classification (germline): Uncertain significance (1 of 4 stars; one submission).

Conditions:
Developmental and epileptic encephalopathy, 23 (DEE23). Also called: Epileptic encephalopathy, early infantile, 23. Identifiers: Orphanet 411986, MedGen C4014492, MONDO:0014371, OMIM 615859.

Allele frequency attached by ClinVar (database versions not stated): gnomAD 0.00001; gnomAD exomes 0.00001; TOPMed 0.00001.
gnomAD v4.1: 4 of 1,611,534 alleles (0.00025%); highest among the groups gnomAD compares: African/African-American, 0.0027%; no homozygotes.

Submission:

Labcorp Genetics (formerly Invitae), Labcorp
Classification: Uncertain significance for Developmental and epileptic encephalopathy, 23. Last evaluated: 2022-05-14. Review status: criteria provided, single submitter. Criteria: Invitae Variant Classification Sherloc (09022015). Collection method: clinical testing. Allele origin: germline.
Comment: This sequence change replaces threonine, which is neutral and polar, with isoleucine, which is neutral and non-polar, at codon 1521 of the DOCK7 protein (p.Thr1521Ile). This variant is not present in population databases (gnomAD no frequency). This variant has not been reported in the literature in individuals affected with DOCK7-related conditions. Algorithms developed to predict the effect of missense changes on protein structure and function are either unavailable or do not agree on the potential impact of this missense change (SIFT: "Deleterious"; PolyPhen-2: "Possibly Damaging"; Align-GVGD: "Class C0"). In summary, the available evidence is currently insufficient to determine the role of this variant in disease. Therefore, it has been classified as a Variant of Uncertain Significance.